The following is an entry in ClinVar:

ClinVar aggregate classification (germline): Uncertain significance (1 of 4 stars; one submission).

Conditions:
ALG8 congenital disorder of glycosylation. Also called: ALG8-CDG; CDG Ih; CONGENITAL DISORDER OF GLYCOSYLATION, TYPE Ih. Identifiers: Orphanet 79325, MedGen C2931002, MONDO:0011969, OMIM 608104.

Submission:

Labcorp Genetics (formerly Invitae), Labcorp
Classification: Uncertain significance for ALG8 congenital disorder of glycosylation. Last evaluated: 2023-02-24. Review status: criteria provided, single submitter. Criteria: Invitae Variant Classification Sherloc (09022015). Collection method: clinical testing. Allele origin: germline.
Comment: In summary, the available evidence is currently insufficient to determine the role of this variant in disease. Therefore, it has been classified as a Variant of Uncertain Significance. Advanced modeling of protein sequence and biophysical properties (such as structural, functional, and spatial information, amino acid conservation, physicochemical variation, residue mobility, and thermodynamic stability) performed at Invitae indicates that this missense variant is not expected to disrupt ALG8 protein function. This variant has not been reported in the literature in individuals affected with ALG8-related conditions. This variant is not present in population databases (gnomAD no frequency). This sequence change replaces leucine, which is neutral and non-polar, with valine, which is neutral and non-polar, at codon 253 of the ALG8 protein (p.Leu253Val).

NM_024079.5(ALG8):c.757T>G (p.Leu253Val)

Gene: ALG8 (ALG8 alpha-1,3-glucosyltransferase; minus strand). Cytogenetic location: 11q14.1.
Variant type: single nucleotide variant.
Coding change: c.757T>G on transcript NM_024079.5 (MANE Select); coding-DNA position 757, T replaced by G.
Protein change: p.Leu253Val; replaces leucine 253 with valine.
Molecular consequence: missense variant.
Genome position (GRCh38, 1-based): chr11:78,113,906, A>C on the plus strand (T>G on the coding strand, the complement: ALG8 is on the minus strand). VCF-style: chr11-78113906-A-C. GRCh37 (hg19) VCF-style: chr11-77824952-A-C.
Other names: c.757T>G, p.Leu253Val (NM_001007027.3, NM_001425221.1, NM_001425222.1 and 10 more transcripts); c.760T>G, p.Leu254Val (NM_001425219.1); c.742T>G, p.Leu248Val (NM_001425220.1); c.850T>G, p.Leu284Val (NM_001425224.1); c.604T>G, p.Leu202Val (NM_001425226.1, NM_001425235.1, NM_001425236.1); c.556T>G, p.Leu186Val (NM_001425231.1); c.493T>G, p.Leu165Val (NM_001425234.1, NM_001425239.1); c.241T>G, p.Leu81Val (NM_001425241.1); and 1 more; short protein forms L254V, L186V, L202V, L284V, L165V, L68V, L81V, L248V.
Identifiers: ClinVar variation 2739141 (VCV002739141.3), dbSNP rs768148587, ClinGen allele CA382116862.